The following is an entry in ClinVar:

ClinVar aggregate classification (germline): Uncertain significance (1 of 4 stars; one submission).

Conditions:
Cardiovascular phenotype. Identifiers: MedGen CN230736.

gnomAD v4.1: 2 of 1,527,292 alleles (0.00013%); highest among the groups gnomAD compares: South Asian, 0.0012%; no homozygotes.

Submission:

Ambry Genetics
Classification: Uncertain significance for Cardiovascular phenotype. Last evaluated: 2026-06-22. Review status: criteria provided, single submitter. Criteria: Ambry Variant Classification Scheme 2023. Collection method: clinical testing. Allele origin: germline.
Comment: The p.P203L variant (also known as c.608C>T), located in coding exon 1 of the GATA4 gene, results from a C to T substitution at nucleotide position 608. The proline at codon 203 is replaced by leucine, an amino acid with similar properties. This amino acid position is conserved. In addition, the in silico prediction for this alteration is inconclusive. Based on the available evidence, the clinical significance of this variant remains unclear.

NM_001308093.3(GATA4):c.608C>T (p.Pro203Leu)

Gene: GATA4 (GATA binding protein 4). Cytogenetic location: 8p23.1.
Variant type: single nucleotide variant.
Coding change: c.608C>T on transcript NM_001308093.3 (MANE Select); coding-DNA position 608, C replaced by T.
Protein change: p.Pro203Leu; replaces proline 203 with leucine.
Molecular consequence: missense variant. On other transcripts: intron variant (3).
Genome position (GRCh38, 1-based): chr8:11,708,920, C>T. VCF-style: chr8-11708920-C-T. GRCh37 (hg19) VCF-style: chr8-11566429-C-T.
Other names: c.608C>T, p.Pro203Leu (NM_002052.5); c.-6+8142C>T (NM_001308094.2); c.-3+906C>T (NM_001374274.1); c.-3+4616C>T (NM_001374273.1); short protein forms P203L.
Identifiers: ClinVar variation 5022231 (VCV005022231.1).
Genomic context (GRCh38, chr8:11,708,920, plus strand): 5'-CCTTCGACAGCCCGGTCCTGCACAGCCTGCCCGGCCGGGCCAACCCGGCCGCCCGACACC[C>T]CAATCTCGGTGAGTAGGAGCGCGAGGGCTGGGGCGCGTGAGGGCCGGGGCAGGGGCCGTC-3'
Protein context (NP_001295022.1, residues 193-213): PGRANPAARH[Pro203Leu]NLVDMFDDFS